The following is an entry in ClinVar:

Conditions:
Breast-ovarian cancer, familial, susceptibility to, 1 (BROVCA1). Also called: BRCA1 Hereditary Breast and Ovarian Cancer; OVARIAN CANCER, SUSCEPTIBILITY TO. Identifiers: Orphanet 145, MedGen C2676676, MONDO:0011450, OMIM 604370. Disease mechanism: loss of function.

Submission:

Brotman Baty Institute, University of Washington
No classification provided (evidence only). Condition: Breast-ovarian cancer, familial 1. Review status: no classification provided. Collection method: in vitro. Allele origin: not applicable. Functional consequence: functionally_normal.
ClinVar note: "not provided" was previously submitted as the classification for the variant. However, the classification appeared to be based only on an observation of functional data so it was converted to no classification on 2025-07-30.

NM_007294.4(BRCA1):c.5193+7A>T

Gene: BRCA1 (BRCA1 DNA repair associated; minus strand). Cytogenetic location: 17q21.31.
Variant type: single nucleotide variant.
Coding change: c.5193+7A>T on transcript NM_007294.4 (MANE Select); 7 bases into the intron after coding-DNA position 5193, A replaced by T.
Molecular consequence: intron variant.
Genome position (GRCh38, 1-based): chr17:43,063,326, T>A on the plus strand (A>T on the coding strand, the complement: BRCA1 is on the minus strand). VCF-style: chr17-43063326-T-A. GRCh37 (hg19) VCF-style: chr17-41215343-T-A.
Other names: c.1740+7A>T (NM_001408458.1, NM_001408461.1, NM_001408464.1 and 7 more transcripts); c.4302+7A>T (NM_001407967.1); c.4812+7A>T (NM_001407959.1); c.4926+7A>T (NM_001407931.1, NM_001407932.1, NM_001407928.1 and 4 more transcripts); c.5049+7A>T (NM_001407747.1, NM_001407745.1, NM_001407737.1 and 21 more transcripts); c.4809+7A>T (NM_001407962.1, NM_001407960.1); c.1380+7A>T (NM_001408512.1); c.1503+7A>T (NM_001408510.1); and 72 more.
Identifiers: ClinVar variation 867466 (VCV000867466.3), dbSNP rs2051852538, ClinGen allele CA916080029.